The following is an entry in ClinVar:

ClinVar aggregate classification (germline): Uncertain significance (1 of 4 stars; one submission).

Allele frequency attached by ClinVar (database versions not stated): TOPMed below 0.00001; ExAC 0.00001; gnomAD 0.00001; gnomAD exomes 0.00001.
gnomAD v4.1: 22 of 1,613,996 alleles (0.0014%); highest among the groups gnomAD compares: East Asian, 0.0022%; no homozygotes.

Submission:

Labcorp Genetics (formerly Invitae), Labcorp
Classification: Uncertain significance. Last evaluated: 2022-08-22. Review status: criteria provided, single submitter. Criteria: Invitae Variant Classification Sherloc (09022015). Collection method: clinical testing. Allele origin: germline.
Comment: In summary, the available evidence is currently insufficient to determine the role of this variant in disease. Therefore, it has been classified as a Variant of Uncertain Significance. Algorithms developed to predict the effect of missense changes on protein structure and function are either unavailable or do not agree on the potential impact of this missense change (SIFT: "Deleterious"; PolyPhen-2: "Probably Damaging"; Align-GVGD: "Class C0"). This variant has not been reported in the literature in individuals affected with ATP2B4-related conditions. This variant is present in population databases (rs374733543, gnomAD 0.006%). This sequence change replaces arginine, which is basic and polar, with cysteine, which is neutral and slightly polar, at codon 183 of the ATP2B4 protein (p.Arg183Cys).

NM_001684.5(ATP2B4):c.547C>T (p.Arg183Cys)

Gene: ATP2B4 (ATPase plasma membrane Ca2+ transporting 4; plus strand). Cytogenetic location: 1q32.1.
Variant type: single nucleotide variant.
Coding change: c.547C>T on transcript NM_001684.5 (MANE Select); coding-DNA position 547, C replaced by T.
Protein change: p.Arg183Cys; replaces arginine 183 with cysteine.
Molecular consequence: missense variant.
Genome position (GRCh38, 1-based): chr1:203,699,615, C>T. VCF-style: chr1-203699615-C-T. GRCh37 (hg19) VCF-style: chr1-203668743-C-T.
Other names: c.547C>T, p.Arg183Cys (NM_001001396.3, NM_001365783.2, NM_001365784.2); short protein forms R183C.
Identifiers: ClinVar variation 1948379 (VCV001948379.5), dbSNP rs374733543, ClinGen allele CA1341396.